The following is an entry in ClinVar:

ClinVar aggregate classification (germline): Likely benign (0 of 4 stars; one submission).

Conditions:
CELSR3-related disorder. Also called: CELSR3-related condition.

Allele frequency attached by ClinVar (database versions not stated): gnomAD exomes 0.00008; gnomAD 0.00009; TOPMed 0.00012; 1000 Genomes Project 0.00020; ExAC 0.00026; 1000 Genomes Project 30x 0.00031.

Submission:

PreventionGenetics, part of Exact Sciences
Classification: Likely benign for CELSR3-related condition. Last evaluated: 2022-09-26. Review status: no assertion criteria provided. Collection method: clinical testing. Allele origin: germline.
Comment: This variant is classified as likely benign based on ACMG/AMP sequence variant interpretation guidelines (Richards et al. 2015 PMID: 25741868, with internal and published modifications).

NM_001407.3(CELSR3):c.2257C>T (p.Arg753Trp)

Gene: CELSR3 (cadherin EGF LAG seven-pass G-type receptor 3; minus strand). Cytogenetic location: 3p21.31.
Variant type: single nucleotide variant.
Coding change: c.2257C>T on transcript NM_001407.3 (MANE Select); coding-DNA position 2257, C replaced by T.
Protein change: p.Arg753Trp; replaces arginine 753 with tryptophan.
Molecular consequence: missense variant.
Genome position (GRCh38, 1-based): chr3:48,660,378, G>A on the plus strand (C>T on the coding strand, the complement: CELSR3 is on the minus strand). VCF-style: chr3-48660378-G-A. GRCh37 (hg19) VCF-style: chr3-48697811-G-A.
Other names: short protein forms R753W.
Identifiers: ClinVar variation 3032532 (VCV003032532.2), dbSNP rs193020039, ClinGen allele CA2385304.
Genomic context (GRCh38, chr3:48,660,378, plus strand): 5'-TGCCCACAGCTGCATCCTCATTCAGTCGTAGGTGGTACTCCTTCATTGTGAACTCAGGCC[G>A]ATTGTCATTAACGTCCAGCACAGTCACGGTGACACTGGCTGAGGCAGAGAGTGGGGGTGA-3'
Protein context (NP_001398.2, residues 743-763): TVTVLDVNDN[Arg753Trp]PEFTMKEYHL